The following is an entry in ClinVar:

ClinVar aggregate classification (germline): Uncertain significance (1 of 4 stars; one submission).

Submission:

GeneDx
Classification: Uncertain significance. Last evaluated: 2026-02-10. Review status: criteria provided, single submitter. Criteria: GeneDx Variant Classification Process June 2021. Collection method: clinical testing. Allele origin: germline.
Comment: Not observed at significant frequency in large population cohorts (gnomAD); Frameshift variant predicted to result in protein truncation or nonsense mediated decay in a region of a gene for which loss of function is not a well-established mechanism of disease; Has not been previously published as pathogenic or benign to our knowledge

NM_001267550.2(TTN):c.24393dup (p.Val8132fs)

Gene: TTN (titin; minus strand). Cytogenetic location: 2q31.2.
Variant type: Duplication.
Coding change: c.24393dup on transcript NM_001267550.2 (MANE Select); coding-DNA position 24393, one base duplicated (T; older notation c.24393dupT).
Protein change: p.Val8132fs; shifts the reading frame from valine 8132.
Molecular consequence: frameshift variant. On other transcripts: intron variant (3).
Genome position (GRCh38, 1-based): chr2:178,718,807, A duplicated on the plus strand (T on the coding strand, the reverse complement: TTN is on the minus strand); the first of 4 consecutive A bases (chr2:178,718,807-178,718,810); duplicating any one gives the same sequence. VCF-style (leftmost placement, unchanged base first): chr2-178718806-C-CA. GRCh37 (hg19) VCF-style: chr2-179583533-C-CA.
Other names: c.23442dup, p.Val7815fs (NM_001256850.1); c.20661dup, p.Val6888fs (NM_133378.4); c.13282+19275dup (NM_003319.4); c.13858+19275dup (NM_133437.4); c.13657+19275dup (NM_133432.3); c.24393dup (NM_001267550.1); short protein forms V6888fs, V7815fs, V8132fs.
Identifiers: ClinVar variation 4976421 (VCV004976421.1).